The following is an entry in ClinVar:

NM_006892.4(DNMT3B):c.*895T>C

Gene: DNMT3B (DNA methyltransferase 3 beta; plus strand). Cytogenetic location: 20q11.21.
Variant type: single nucleotide variant.
Coding change: c.*895T>C on transcript NM_006892.4 (MANE Select); 895 bases downstream of the stop codon, T replaced by C.
Molecular consequence: 3 prime UTR variant.
Genome position (GRCh38, 1-based): chr20:32,808,798, T>C. VCF-style: chr20-32808798-T-C. GRCh37 (hg19) VCF-style: chr20-31396604-T-C.
Other names: c.*895T>C (NM_001207055.2, NM_001207056.2, NM_175848.2 and 2 more transcripts).
Identifiers: ClinVar variation 896295 (VCV000896295.4), dbSNP rs116329759, ClinGen allele CA313160336.

ClinVar aggregate classification (germline): Benign (1 of 4 stars; one submission).

Conditions:
Immunodeficiency-centromeric instability-facial anomalies syndrome 1 (ICF1). Identifiers: Orphanet 2268, MedGen C4551557, MONDO:0009454, OMIM 242860.

Allele frequency attached by ClinVar (database versions not stated): gnomAD exomes 0.00111; 1000 Genomes Project 0.00639; gnomAD 0.00643 and 0.00684; 1000 Genomes Project 30x 0.00656; TOPMed 0.00731.

Submission:

Illumina Laboratory Services, Illumina
Classification: Benign for Immunodeficiency-centromeric instability-facial anomalies syndrome 1. Last evaluated: 2018-01-12. Review status: criteria provided, single submitter. Criteria: ICSL Variant Classification Criteria 13 December 2019. Collection method: clinical testing. Allele origin: germline.
Comment: This variant was observed in the ICSL laboratory as part of a predisposition screen in an ostensibly healthy population. It had not been previously curated by ICSL or reported in the Human Gene Mutation Database (HGMD: prior to June 1st, 2018), and was therefore a candidate for classification through an automated scoring system. Utilizing variant allele frequency, disease prevalence and penetrance estimates, and inheritance mode, an automated score was calculated to assess if this variant is too frequent to cause the disease. Based on the score and internal cut-off values, a variant classified as benign is not then subjected to further curation. The score for this variant resulted in a classification of benign for this disease.